The following is an entry in ClinVar:

ClinVar aggregate classification (germline): Uncertain significance (1 of 4 stars; one submission).

Conditions:
Primary ciliary dyskinesia. Also called: Ciliary dyskinesia. Identifiers: Orphanet 244, MedGen C0008780, MONDO:0016575, HP:0012265.

Allele frequency attached by ClinVar (database versions not stated): TOPMed 0.00001.

Submission:

Labcorp Genetics (formerly Invitae), Labcorp
Classification: Uncertain significance for Primary ciliary dyskinesia. Last evaluated: 2020-06-12. Review status: criteria provided, single submitter. Criteria: Invitae Variant Classification Sherloc (09022015). Collection method: clinical testing. Allele origin: germline.
Comment: In summary, the available evidence is currently insufficient to determine the role of this variant in disease. Therefore, it has been classified as a Variant of Uncertain Significance. Algorithms developed to predict the effect of missense changes on protein structure and function are either unavailable or do not agree on the potential impact of this missense change (SIFT: "Deleterious"; PolyPhen-2: "Not Available"; Align-GVGD: "Class C15"). This variant has not been reported in the literature in individuals with DNAH8-related conditions. This variant is not present in population databases (ExAC no frequency). This sequence change replaces proline with leucine at codon 3429 of the DNAH8 protein (p.Pro3429Leu). The proline residue is highly conserved and there is a moderate physicochemical difference between proline and leucine.

NM_001206927.2(DNAH8):c.10286C>T (p.Pro3429Leu)

Genes: DNAH8 (dynein axonemal heavy chain 8; plus strand), DNAH8-AS1 (DNAH8 antisense RNA 1; minus strand). Cytogenetic location: 6p21.2.
Variant type: single nucleotide variant.
Coding change: c.10286C>T on transcript NM_001206927.2 (MANE Select); coding-DNA position 10286, C replaced by T.
Protein change: p.Pro3429Leu; replaces proline 3429 with leucine.
Molecular consequence: missense variant.
Genome position (GRCh38, 1-based): chr6:38,917,384, C>T. VCF-style: chr6-38917384-C-T. GRCh37 (hg19) VCF-style: chr6-38885160-C-T.
Other names: c.9635C>T, p.Pro3212Leu (NM_001371.4); short protein forms P3212L, P3429L.
Identifiers: ClinVar variation 1046528 (VCV001046528.9), dbSNP rs1024708882, ClinGen allele CA137579475.